The following is an entry in ClinVar:

NM_017429.3(BCO1):c.156C>T (p.Asp52=)

Gene: BCO1 (beta-carotene oxygenase 1; plus strand). Cytogenetic location: 16q23.2.
Variant type: single nucleotide variant.
Coding change: c.156C>T on transcript NM_017429.3 (MANE Select); coding-DNA position 156, C replaced by T.
Protein change: p.Asp52=; no amino-acid change (aspartic acid 52 retained).
Molecular consequence: synonymous variant.
Genome position (GRCh38, 1-based): chr16:81,245,566, C>T. VCF-style: chr16-81245566-C-T. GRCh37 (hg19) VCF-style: chr16-81279171-C-T.
Identifiers: ClinVar variation 3057991 (VCV003057991.2), dbSNP rs554010904, ClinGen allele CA8190620.
Genomic context (GRCh38, chr16:81,245,566, plus strand): 5'-GCTCCGCAATGGGCCTGGGATGCACACAGTTGGGGAGTCCAGATACAACCATTGGTTCGA[C>T]GGCCTTGCCCTGCTCCACAGCTTCACCATCAGAGACGGTGAGAACACCCACGAGTGTGCT-3'
Protein context (NP_059125.2, residues 42-62): VGESRYNHWF[Asp52=]GLALLHSFTI

ClinVar aggregate classification (germline): Likely benign (0 of 4 stars; one submission).

Conditions:
BCO1-related disorder. Also called: BCO1-related condition.

Allele frequency attached by ClinVar (database versions not stated): TOPMed 0.00003; gnomAD 0.00008; ExAC 0.00013; gnomAD exomes 0.00013; 1000 Genomes Project 30x 0.00047; 1000 Genomes Project 0.00060.
gnomAD v4.1: 210 of 1,614,238 alleles (0.013%); highest among the groups gnomAD compares: South Asian, 0.08%; no homozygotes.

Submission:

PreventionGenetics, part of Exact Sciences
Classification: Likely benign for BCO1-related condition. Last evaluated: 2019-04-11. Review status: no assertion criteria provided. Collection method: clinical testing. Allele origin: germline.
Comment: This variant is classified as likely benign based on ACMG/AMP sequence variant interpretation guidelines (Richards et al. 2015 PMID: 25741868, with internal and published modifications).